The following is an entry in ClinVar:

ClinVar aggregate classification (germline): Uncertain significance (1 of 4 stars; one submission).

gnomAD v4.1: 4 of 1,614,182 alleles (0.00025%); highest among the groups gnomAD compares: South Asian, 0.0033%; no homozygotes.

Submission:

GeneDx
Classification: Uncertain significance. Last evaluated: 2023-11-02. Review status: criteria provided, single submitter. Criteria: GeneDx Variant Classification Process June 2021. Collection method: clinical testing. Allele origin: germline. Affected: yes.
Comment: Not observed at significant frequency in large population cohorts (gnomAD); In silico analysis supports that this missense variant has a deleterious effect on protein structure/function; Has not been previously published as pathogenic or benign to our knowledge; Although located in a calcium-binding EGF-like domain of the FBN1 gene, it does not affect a cysteine residue within this domain; cysteine substitutions in the calcium-binding EGF-like domains represent the majority of pathogenic missense changes associated with FBN1-related disorders (PMID: 12938084); This variant is associated with the following publications: (PMID: 12938084)

NM_000138.5(FBN1):c.3409C>G (p.Arg1137Gly)

Gene: FBN1 (fibrillin 1; minus strand). Cytogenetic location: 15q21.1.
Variant type: single nucleotide variant.
Coding change: c.3409C>G on transcript NM_000138.5 (MANE Select); coding-DNA position 3409, C replaced by G.
Protein change: p.Arg1137Gly; replaces arginine 1137 with glycine.
Molecular consequence: missense variant.
Genome position (GRCh38, 1-based): chr15:48,487,366, G>C on the plus strand (C>G on the coding strand, the complement: FBN1 is on the minus strand). VCF-style: chr15-48487366-G-C. GRCh37 (hg19) VCF-style: chr15-48779563-G-C.
Other names: c.3409C>G, p.Arg1137Gly (NM_001406716.1); short protein forms R1137G.
Identifiers: ClinVar variation 3363725 (VCV003363725.1).